The following is an entry in ClinVar:

NM_153717.3(EVC):c.2379T>G (p.Tyr793Ter)

Gene: EVC (EvC ciliary complex subunit 1; plus strand). Cytogenetic location: 4p16.2.
Variant type: single nucleotide variant.
Coding change: c.2379T>G on transcript NM_153717.3 (MANE Select); coding-DNA position 2379, T replaced by G.
Protein change: p.Tyr793Ter; replaces tyrosine 793 with a stop codon.
Molecular consequence: nonsense.
Genome position (GRCh38, 1-based): chr4:5,802,024, T>G. VCF-style: chr4-5802024-T-G. GRCh37 (hg19) VCF-style: chr4-5803751-T-G.
Other names: c.2379T>G, p.Tyr793Ter (NM_001306090.2); short protein forms Y793*.
Identifiers: ClinVar variation 2096839 (VCV002096839.4), dbSNP rs2474507123, ClinGen allele CA356146735.

ClinVar aggregate classification (germline): Pathogenic (1 of 4 stars; one submission).

Conditions:
Ellis-van Creveld syndrome (EVC). Also called: EVC-Related Ellis-van Creveld Syndrome; EVC2-Related Ellis-van Creveld Syndrome; Chondroectodermal dysplasia; MESOECTODERMAL DYSPLASIA. Identifiers: Orphanet 289, MedGen C0013903, MONDO:0009162, OMIM 225500.
Curry-Hall syndrome (WAD). Also called: WEYERS ACRODENTAL DYSOSTOSIS. Identifiers: Orphanet 952, MedGen C0457013, MONDO:0008673, OMIM 193530.

Allele frequency attached by ClinVar (database versions not stated): gnomAD exomes below 0.00001.
gnomAD v4.1: 6 of 1,614,180 alleles (0.00037%); highest among the groups gnomAD compares: Non-Finnish European, 0.00051%; no homozygotes.

Submission:

Labcorp Genetics (formerly Invitae), Labcorp
Classification: Pathogenic for Curry-Hall syndrome; Ellis-van Creveld syndrome. Last evaluated: 2022-02-21. Review status: criteria provided, single submitter. Criteria: Invitae Variant Classification Sherloc (09022015). Collection method: clinical testing. Allele origin: germline.
Comment: For these reasons, this variant has been classified as Pathogenic. This variant has not been reported in the literature in individuals affected with EVC-related conditions. This variant is not present in population databases (gnomAD no frequency). This sequence change creates a premature translational stop signal (p.Tyr793*) in the EVC gene. It is expected to result in an absent or disrupted protein product. Loss-of-function variants in EVC are known to be pathogenic (PMID: 23220543).

Literature cited by the submitters: PubMed 23220543.